The following is an entry in ClinVar:

ClinVar aggregate classification (germline): Uncertain significance. Review status: criteria provided, multiple submitters, no conflicts (2 of 4 stars). 3 submissions from 3 submitters: Uncertain significance (3). Last evaluated 2025-02-10.

Conditions:
Primary ciliary dyskinesia. Also called: Ciliary dyskinesia. Identifiers: Orphanet 244, MedGen C0008780, MONDO:0016575, HP:0012265.

Allele frequency attached by ClinVar (database versions not stated): gnomAD exomes below 0.00001; gnomAD 0.00001; TOPMed 0.00005.
gnomAD v4.1: 4 of 1,570,782 alleles (0.00025%); highest among the groups gnomAD compares: African/African-American, 0.0041%; no homozygotes.

Submissions (3):

GeneDx
Classification: Uncertain significance. Last evaluated: 2025-02-10. Review status: criteria provided, single submitter. Criteria: GeneDx Variant Classification Process June 2021. Collection method: clinical testing. Allele origin: germline. Affected: yes.
Comment: Not observed at significant frequency in large population cohorts (gnomAD); In silico analysis supports that this missense variant has a deleterious effect on protein structure/function; Has not been previously published as pathogenic or benign to our knowledge

Ambry Genetics
Classification: Uncertain significance for Primary ciliary dyskinesia. Last evaluated: 2024-06-25. Review status: criteria provided, single submitter. Criteria: Ambry Variant Classification Scheme 2023. Collection method: clinical testing. Allele origin: germline.

Labcorp Genetics (formerly Invitae), Labcorp
Classification: Uncertain significance for Primary ciliary dyskinesia. Last evaluated: 2021-03-29. Review status: criteria provided, single submitter. Criteria: Invitae Variant Classification Sherloc (09022015). Collection method: clinical testing. Allele origin: germline.
Comment: In summary, the available evidence is currently insufficient to determine the role of this variant in disease. Therefore, it has been classified as a Variant of Uncertain Significance. Algorithms developed to predict the effect of missense changes on protein structure and function (SIFT, PolyPhen-2, Align-GVGD) all suggest that this variant is likely to be tolerated, but these predictions have not been confirmed by published functional studies and their clinical significance is uncertain. This variant has not been reported in the literature in individuals with DNAAF5-related conditions. This variant is not present in population databases (ExAC no frequency). This sequence change replaces aspartic acid with glycine at codon 537 of the DNAAF5 protein (p.Asp537Gly). The aspartic acid residue is weakly conserved and there is a moderate physicochemical difference between aspartic acid and glycine.

NM_017802.4(DNAAF5):c.1610A>G (p.Asp537Gly)

Gene: DNAAF5 (dynein axonemal assembly factor 5; plus strand). Cytogenetic location: 7p22.3.
Variant type: single nucleotide variant.
Coding change: c.1610A>G on transcript NM_017802.4 (MANE Select); coding-DNA position 1610, A replaced by G.
Protein change: p.Asp537Gly; replaces aspartic acid 537 with glycine.
Molecular consequence: missense variant. On other transcripts: non-coding transcript variant (1).
Genome position (GRCh38, 1-based): chr7:761,892, A>G. VCF-style: chr7-761892-A-G. GRCh37 (hg19) VCF-style: chr7-801529-A-G.
Other names: c.1610A>G (NM_017802.3); short protein forms D537G.
Identifiers: ClinVar variation 1358904 (VCV001358904.10), dbSNP rs926185028, ClinGen allele CA152344874.